The following is an entry in ClinVar:

ClinVar aggregate classification (germline): Pathogenic (1 of 4 stars; one submission).

Conditions:
Bosch-Boonstra-Schaaf optic atrophy syndrome (BBSOAS). Also called: NR2F1-Related Neurodevelopmental Disorder. Identifiers: Orphanet 401777, MedGen C3810363, MONDO:0014320, OMIM 615722.
Chromosome 5Q14.3 deletion syndrome, distal. Also called: PERIVENTRICULAR NODULAR HETEROTOPIA 5. Identifiers: Orphanet 2149, MedGen C2752071, MONDO:0013031, OMIM 612881.

Submission:

Infection and Global Health Division, University of St Andrews
Classification: Pathogenic for Bosch-Boonstra-Schaaf optic atrophy syndrome; Chromosome 5Q14.3 deletion syndrome, distal. Last evaluated: 2026-01-13. Review status: criteria provided, single submitter. Criteria: ACMG/ClinGen CNV Guidelines, 2019. Collection method: provider interpretation. Allele origin: de novo. Inheritance: Autosomal dominant inheritance. Affected: yes. Observed: 1 heterozygote.
Comment: This variant is a large heterozygous germline deletion of chromosome 5q14.3–q21.1 encompassing NR2F1 and multiple additional genes. Haploinsufficiency of NR2F1 is an established mechanism for NR2F1-related neurodevelopmental disorder, historically referred to as Bosch–Boonstra–Schaaf optic atrophy syndrome (OMIM:615722). The size and gene content of the deletion, established gene–disease validity, and consistent neurodevelopmental phenotype support classification as pathogenic under ACMG/ClinGen CNV guidelines (2019).

Literature cited by the submitters: PubMed 28731023.

GRCh38/hg38 5q14.3-21.2(chr5:90079852-103658165)x1

Genes: MIR583 (microRNA 583; plus strand), LNPEP (leucyl and cystinyl aminopeptidase; plus strand), SKIC3 (SKI3 subunit of superkiller complex; minus strand), LINC02058 (long intergenic non-protein coding RNA 2058; minus strand), MACIR (macrophage immunometabolism regulator; plus strand) and 250 more. Cytogenetic location: 5q14.3-21.2.
Variant type: copy number loss.
Change: copy number 1 (one copy instead of two) of chr5:90,079,852-103,658,165 (13.58 Mb, GRCh38 coordinates, 1-based), cytogenetic band 5q14.3-21.2.
Identifiers: ClinVar variation 4685561 (VCV004685561.1).